The following is an entry in ClinVar:

NM_005359.6(SMAD4):c.1234T>C (p.Tyr412His)

Gene: SMAD4 (SMAD family member 4; plus strand). Cytogenetic location: 18q21.2.
Variant type: single nucleotide variant.
Coding change: c.1234T>C on transcript NM_005359.6 (MANE Select); coding-DNA position 1234, T replaced by C.
Protein change: p.Tyr412His; replaces tyrosine 412 with histidine.
Molecular consequence: missense variant. On other transcripts: non-coding transcript variant (1).
Genome position (GRCh38, 1-based): chr18:51,067,113, T>C. VCF-style: chr18-51067113-T-C. GRCh37 (hg19) VCF-style: chr18-48593483-T-C.
Other names: c.1234T>C, p.Tyr412His (NM_001407041.1, NM_001407042.1); short protein forms Y412H.
Identifiers: ClinVar variation 3637576 (VCV003637576.2).

ClinVar aggregate classification (germline): Uncertain significance (1 of 4 stars; one submission).

Conditions:
Juvenile polyposis syndrome (JPS). Identifiers: Orphanet 2929, MedGen C0345893, MONDO:0017380, OMIM 174900.

Submission:

Labcorp Genetics (formerly Invitae), Labcorp
Classification: Uncertain significance for Juvenile polyposis syndrome. Last evaluated: 2024-04-22. Review status: criteria provided, single submitter. Criteria: Invitae Variant Classification Sherloc (09022015). Collection method: clinical testing. Allele origin: germline.
Comment: This sequence change replaces tyrosine, which is neutral and polar, with histidine, which is basic and polar, at codon 412 of the SMAD4 protein (p.Tyr412His). This variant is not present in population databases (gnomAD no frequency). This variant has not been reported in the literature in individuals affected with SMAD4-related conditions. Advanced modeling of protein sequence and biophysical properties (such as structural, functional, and spatial information, amino acid conservation, physicochemical variation, residue mobility, and thermodynamic stability) has been performed at Invitae for this missense variant, however the output from this modeling did not meet the statistical confidence thresholds required to predict the impact of this variant on SMAD4 protein function. In summary, the available evidence is currently insufficient to determine the role of this variant in disease. Therefore, it has been classified as a Variant of Uncertain Significance.